The following is an entry in ClinVar:

ClinVar aggregate classification (germline): Uncertain significance. Review status: criteria provided, multiple submitters, no conflicts (2 of 4 stars). 2 submissions from 2 submitters: Uncertain significance (2). Last evaluated 2023-02-01.

Conditions:
RYR1-related disorder. Also called: RYR1-related condition; RYR1-related disorders. Identifiers: MedGen CN239331.

Allele frequency attached by ClinVar (database versions not stated): TOPMed 0.00001.

Submissions (2):

CeGaT Center for Human Genetics Tuebingen
Classification: Uncertain significance. Last evaluated: 2023-02-01. Review status: criteria provided, single submitter. Criteria: CeGaT Center For Human Genetics Tuebingen Variant Classification Criteria Version 2. Collection method: clinical testing. Allele origin: germline. Affected: yes. Observed: 1 variant allele.
Comment: RYR1: PM2

Labcorp Genetics (formerly Invitae), Labcorp
Classification: Uncertain significance for RYR1-related disorder. Last evaluated: 2021-08-27. Review status: criteria provided, single submitter. Criteria: Invitae Variant Classification Sherloc (09022015). Collection method: clinical testing. Allele origin: germline.
Comment: This sequence change replaces valine with alanine at codon 729 of the RYR1 protein (p.Val729Ala). The valine residue is highly conserved and there is a small physicochemical difference between valine and alanine. This variant is not present in population databases (ExAC no frequency). This variant has not been reported in the literature in individuals affected with RYR1-related conditions. Advanced modeling of protein sequence and biophysical properties (such as structural, functional, and spatial information, amino acid conservation, physicochemical variation, residue mobility, and thermodynamic stability) performed at Invitae indicates that this missense variant is not expected to disrupt RYR1 protein function. In summary, the available evidence is currently insufficient to determine the role of this variant in disease. Therefore, it has been classified as a Variant of Uncertain Significance.

NM_000540.3(RYR1):c.2186T>C (p.Val729Ala)

Gene: RYR1 (ryanodine receptor 1; plus strand). Cytogenetic location: 19q13.2.
Variant type: single nucleotide variant.
Coding change: c.2186T>C on transcript NM_000540.3 (MANE Select); coding-DNA position 2186, T replaced by C.
Protein change: p.Val729Ala; replaces valine 729 with alanine.
Molecular consequence: missense variant.
Genome position (GRCh38, 1-based): chr19:38,459,164, T>C. VCF-style: chr19-38459164-T-C. GRCh37 (hg19) VCF-style: chr19-38949804-T-C.
Other names: c.2186T>C, p.Val729Ala (NM_001042723.2); short protein forms V729A.
Identifiers: ClinVar variation 1980411 (VCV001980411.25), dbSNP rs1314651770, ClinGen allele CA405627565.